The following is an entry in ClinVar:

ClinVar aggregate classification (germline): Uncertain significance (1 of 4 stars; one submission).

Submission:

Dasa
Classification: Uncertain significance. Last evaluated: 2025-06-27. Review status: criteria provided, single submitter. Criteria: DASA Assertion Criteria. Collection method: clinical testing. Allele origin: germline.
Comment: NM_000435.3(NOTCH3):c.668C>G (p.Ala223Gly) is a missense variant that results in the substitution of alanine with glycine. This variant is absent from population databases. The currently available literature and clinical evidence are not sufficient to establish a definitive association between this variant and the reported condition. Therefore, this variant is classified as a variant of uncertain significance.

NM_000435.3(NOTCH3):c.668C>G (p.Ala223Gly)

Gene: NOTCH3 (notch receptor 3; minus strand). Cytogenetic location: 19p13.12.
Variant type: single nucleotide variant.
Coding change: c.668C>G on transcript NM_000435.3 (MANE Select); coding-DNA position 668, C replaced by G.
Protein change: p.Ala223Gly; replaces alanine 223 with glycine.
Molecular consequence: missense variant.
Genome position (GRCh38, 1-based): chr19:15,191,971, G>C on the plus strand (C>G on the coding strand, the complement: NOTCH3 is on the minus strand). VCF-style: chr19-15191971-G-C. GRCh37 (hg19) VCF-style: chr19-15302782-G-C.
Other names: short protein forms A223G.
Identifiers: ClinVar variation 4883594 (VCV004883594.2).